The following is an entry in ClinVar:

NM_000222.3(KIT):c.2182G>A (p.Val728Ile)

Gene: KIT (KIT proto-oncogene, receptor tyrosine kinase; plus strand). Cytogenetic location: 4q12.
Variant type: single nucleotide variant.
Coding change: c.2182G>A on transcript NM_000222.3 (MANE Select); coding-DNA position 2182, G replaced by A.
Protein change: p.Val728Ile; replaces valine 728 with isoleucine.
Molecular consequence: missense variant.
Genome position (GRCh38, 1-based): chr4:54,731,368, G>A. VCF-style: chr4-54731368-G-A. GRCh37 (hg19) VCF-style: chr4-55597534-G-A.
Other names: c.2167G>A, p.Val723Ile (NM_001385286.1); c.2173G>A, p.Val725Ile (NM_001385288.1); c.2182G>A, p.Val728Ile (NM_001385290.1); c.2170G>A, p.Val724Ile (NM_001385292.1, NM_001093772.2); c.2185G>A, p.Val729Ile (NM_001385284.1); c.2179G>A, p.Val727Ile (NM_001385285.1); short protein forms V723I, V724I, V725I, V727I, V728I, V729I.
Identifiers: ClinVar variation 1053849 (VCV001053849.19), dbSNP rs1722585601, ClinGen allele CA356910258.

ClinVar aggregate classification (germline): Uncertain significance. Review status: criteria provided, multiple submitters, no conflicts (2 of 4 stars). 2 submissions from 2 submitters: Uncertain significance (2). Last evaluated 2026-08-13.

Conditions:
Hereditary cancer-predisposing syndrome. Also called: Tumor predisposition; Hereditary Cancer Syndrome; Hereditary neoplastic syndrome; Neoplastic Syndromes, Hereditary. Identifiers: Orphanet 140162, MedGen C0027672, MeSH D009386, MONDO:0015356.
Gastrointestinal stromal tumor. Also called: Gastrointestinal stromal tumor, somatic; Gastrointestinal stroma tumor. Identifiers: Orphanet 44890, MedGen C0238198, MeSH D046152, MONDO:0011719, OMIM 606764, HP:0100723.

Allele frequency attached by ClinVar (database versions not stated): gnomAD exomes below 0.00001.
gnomAD v4.1: 1 of 1,613,502 alleles (0.000062%); highest among the groups gnomAD compares: Non-Finnish European, 0.000085%; no homozygotes.

Submissions (2):

Ambry Genetics
Classification: Uncertain significance for Hereditary cancer-predisposing syndrome. Last evaluated: 2026-08-13. Review status: criteria provided, single submitter. Criteria: Ambry Variant Classification Scheme 2023. Collection method: clinical testing. Allele origin: germline.

Labcorp Genetics (formerly Invitae), Labcorp
Classification: Uncertain significance for Gastrointestinal stromal tumor. Last evaluated: 2023-07-20. Review status: criteria provided, single submitter. Criteria: Invitae Variant Classification Sherloc (09022015). Collection method: clinical testing. Allele origin: germline.
Comment: This sequence change replaces valine, which is neutral and non-polar, with isoleucine, which is neutral and non-polar, at codon 728 of the KIT protein (p.Val728Ile). This variant is not present in population databases (gnomAD no frequency). This variant has not been reported in the literature in individuals affected with KIT-related conditions. ClinVar contains an entry for this variant (Variation ID: 1053849). An algorithm developed to predict the effect of missense changes on protein structure and function (PolyPhen-2) suggests that this variant is likely to be tolerated. In summary, the available evidence is currently insufficient to determine the role of this variant in disease. Therefore, it has been classified as a Variant of Uncertain Significance.